The following is an entry in ClinVar:

NM_001100913.3(PACS2):c.199A>G (p.Lys67Glu)

Gene: PACS2 (phosphofurin acidic cluster sorting protein 2; plus strand). Cytogenetic location: 14q32.33.
Variant type: single nucleotide variant.
Coding change: c.199A>G on transcript NM_001100913.3 (MANE Select); coding-DNA position 199, A replaced by G.
Protein change: p.Lys67Glu; replaces lysine 67 with glutamic acid.
Molecular consequence: missense variant. On other transcripts: 5 prime UTR variant (1).
Genome position (GRCh38, 1-based): chr14:105,348,572, A>G. VCF-style: chr14-105348572-A-G. GRCh37 (hg19) VCF-style: chr14-105814909-A-G.
Other names: c.-3A>G (NM_001243127.3); c.199A>G, p.Lys67Glu (NM_015197.4); short protein forms K67E.
Identifiers: ClinVar variation 1700857 (VCV001700857.2), dbSNP rs2141004775, ClinGen allele CA391198619.

ClinVar aggregate classification (germline): Uncertain significance (1 of 4 stars; one submission).

Submission:

GeneDx
Classification: Uncertain significance. Last evaluated: 2022-02-10. Review status: criteria provided, single submitter. Criteria: GeneDx Variant Classification Process June 2021. Collection method: clinical testing. Allele origin: germline. Affected: yes.
Comment: Not observed at significant frequency in large population cohorts (gnomAD); In silico analysis supports that this missense variant has a deleterious effect on protein structure/function; Has not been previously published as pathogenic or benign to our knowledge